The following is an entry in ClinVar:

ClinVar aggregate classification (germline): Likely pathogenic (1 of 4 stars; one submission).

Conditions:
Mucopolysaccharidosis, MPS-III-A (MPS3A). Also called: Mucopolysaccharidosis, type IIIA; mucopolysaccharidosis type 3A; MPS IIIA (Sanfilippo Syndrome Type A); HEPARAN SULFATE SULFATASE DEFICIENCY; SANFILIPPO SYNDROME A; SULFAMIDASE DEFICIENCY. Identifiers: Orphanet 581, Orphanet 79269, MedGen C0086647, MONDO:0009655, OMIM 252900.

gnomAD v4.1: 1 of 1,612,988 alleles (0.000062%); no homozygotes.

Submission:

Natera, Inc.
Classification: Likely pathogenic for Mucopolysaccharidosis type IIIA. Last evaluated: 2024-12-12. Review status: criteria provided, single submitter. Criteria: Natera Variant Classification Schema (03/2026). Collection method: clinical testing. Allele origin: germline.
Comment: The c.949G>C variant in SGSH is a missense variant predicted to cause substitution of aspartic acid to histidine at amino acid 317. This variant is rare in the general population with a frequency below the threshold expected for the associated phenotype(s). This variant has been observed in one or more individuals affected with the associated recessive disease, as either homozygous or compound heterozygous with a second variant (PMID: 22976768). This variant has been identified in one or more affected individual with a phenotype highly consistent with the associated gene (PMID: 22976768). Computational prediction algorithms indicate this variant is likely to affect gene or protein function. Given the available evidence, this variant is classified as Likely Pathogenic.

Literature cited by the submitters: PubMed 22976768.

NM_000199.5(SGSH):c.949G>C (p.Asp317His)

Gene: SGSH (N-sulfoglucosamine sulfohydrolase; minus strand). Cytogenetic location: 17q25.3.
Variant type: single nucleotide variant.
Coding change: c.949G>C on transcript NM_000199.5 (MANE Select); coding-DNA position 949, G replaced by C.
Protein change: p.Asp317His; replaces aspartic acid 317 with histidine.
Molecular consequence: missense variant. On other transcripts: non-coding transcript variant (1).
Genome position (GRCh38, 1-based): chr17:80,212,071, C>G on the plus strand (G>C on the coding strand, the complement: SGSH is on the minus strand). VCF-style: chr17-80212071-C-G. GRCh37 (hg19) VCF-style: chr17-78185870-C-G.
Other names: c.949G>C, p.Gly317Arg (NM_001352921.3); c.949G>C, p.Glu317Gln (NM_001352922.2); short protein forms D317H, E317Q, G317R.
Identifiers: ClinVar variation 4817911 (VCV004817911.1).
Genomic context (GRCh38, chr17:80,212,071, plus strand): 5'-CATGGCCCCGTCCCAGATCCACTCCCACACCTTTCCTGACGGAGACAGACAAAGGCATAC[C>G]TAGGAGGCTCACGTAGGCCTCGCTGACTTGGCCCCAGCGTTTTGGGTGCTCCGGGGATGA-3'
Protein context (NP_000190.1, residues 307-327): QVSEAYVSLL[Asp317His]LTPTILDWFS